The following is an entry in ClinVar:

ClinVar aggregate classification (germline): Uncertain significance (1 of 4 stars; one submission).

Conditions:
Adenylosuccinate lyase deficiency (ADSLD). Also called: ADSL DEFICIENCY. Identifiers: Orphanet 46, MedGen C0268126, MONDO:0007068, OMIM 103050.

Submission:

Labcorp Genetics (formerly Invitae), Labcorp
Classification: Uncertain significance for Adenylosuccinate lyase deficiency. Last evaluated: 2024-10-15. Review status: criteria provided, single submitter. Criteria: Invitae Variant Classification Sherloc (09022015). Collection method: clinical testing. Allele origin: germline.
Comment: This variant, c.753_761del, results in the deletion of 3 amino acid(s) of the ADSL protein (p.Ser253_Leu255del), but otherwise preserves the integrity of the reading frame. This variant is present in population databases (rs769288234, gnomAD 0.003%). This variant has not been reported in the literature in individuals affected with ADSL-related conditions. ClinVar contains an entry for this variant (Variation ID: 1479486). Experimental studies and prediction algorithms are not available or were not evaluated, and the functional significance of this variant is currently unknown. In summary, the available evidence is currently insufficient to determine the role of this variant in disease. Therefore, it has been classified as a Variant of Uncertain Significance.

NM_000026.4(ADSL):c.753_761del (p.Ser253_Leu255del)

Gene: ADSL (adenylosuccinate lyase; plus strand). Cytogenetic location: 22q13.1.
Variant type: Deletion.
Coding change: c.753_761del on transcript NM_000026.4 (MANE Select); coding-DNA positions 753 to 761, 9 bases deleted (ACTGTCTGT; older notation c.753_761delACTGTCTGT).
Protein change: p.Ser253_Leu255del.
Molecular consequence: inframe deletion. On other transcripts: non-coding transcript variant (1).
Genome position (GRCh38, 1-based): chr22:40,360,453-40,360,461, ACTGTCTGT deleted; deleting any 9 consecutive bases within chr22:40,360,451-40,360,461 gives the same sequence; the c. name uses the placement nearest the transcript's 3' end. VCF-style (leftmost placement, unchanged base first): chr22-40360450-AGTACTGTCT-A. GRCh37 (hg19) VCF-style: chr22-40756454-AGTACTGTCT-A.
Other names: c.753_761del, p.Ser253_Leu255del (NM_001123378.3, NM_001363840.3); c.561_569del, p.Ser189_Leu191del (NM_001317923.2).
Identifiers: ClinVar variation 1479486 (VCV001479486.6), dbSNP rs769288234, ClinGen allele CA10247802.